The following is an entry in ClinVar:

ClinVar aggregate classification (germline): Uncertain significance (1 of 4 stars; one submission).

gnomAD v4.1: 1 of 1,613,408 alleles (0.000062%); highest among the groups gnomAD compares: Non-Finnish European, 0.000085%; no homozygotes.

Submission:

Labcorp Genetics (formerly Invitae), Labcorp
Classification: Uncertain significance. Last evaluated: 2025-02-04. Review status: criteria provided, single submitter. Criteria: Invitae Variant Classification Sherloc (09022015). Collection method: clinical testing. Allele origin: germline.
Comment: This sequence change replaces asparagine, which is neutral and polar, with lysine, which is basic and polar, at codon 187 of the STAT4 protein (p.Asn187Lys). This variant is present in population databases (no rsID available, gnomAD 0.0009%). This variant has not been reported in the literature in individuals affected with STAT4-related conditions. Invitae Evidence Modeling of protein sequence and biophysical properties (such as structural, functional, and spatial information, amino acid conservation, physicochemical variation, residue mobility, and thermodynamic stability) indicates that this missense variant is not expected to disrupt STAT4 protein function with a negative predictive value of 80%. In summary, the available evidence is currently insufficient to determine the role of this variant in disease. Therefore, it has been classified as a Variant of Uncertain Significance.

NM_003151.4(STAT4):c.561T>G (p.Asn187Lys)

Gene: STAT4 (signal transducer and activator of transcription 4; minus strand). Cytogenetic location: 2q32.2.
Variant type: single nucleotide variant.
Coding change: c.561T>G on transcript NM_003151.4 (MANE Select); coding-DNA position 561, T replaced by G.
Protein change: p.Asn187Lys; replaces asparagine 187 with lysine.
Molecular consequence: missense variant.
Genome position (GRCh38, 1-based): chr2:191,066,499, A>C on the plus strand (T>G on the coding strand, the complement: STAT4 is on the minus strand). VCF-style: chr2-191066499-A-C. GRCh37 (hg19) VCF-style: chr2-191931225-A-C.
Other names: c.561T>G, p.Asn187Lys (NM_001243835.2); short protein forms N187K.
Identifiers: ClinVar variation 4742571 (VCV004742571.1).
Genomic context (GRCh38, chr2:191,066,499, plus strand): 5'-GAAATCGAGGCTGTTAAGCATTTCCTGCAGTGTCAAAACTTCCTGATTCACCATGGCACT[A>C]TTCTTGTCACTCTGATCTGCAAAGGTAAAGAGATCAGATTTAGAGTTCTCTCTATTCCTG-3'
Protein context (NP_003142.1, residues 177-197): TIQTMDQSDK[Asn187Lys]SAMVNQEVLT